The following is an entry in ClinVar:

ClinVar aggregate classification (germline): Uncertain significance (1 of 4 stars; one submission).

Conditions:
Primary hyperoxaluria, type II (HP2). Also called: OXALOSIS II; Primary hyperoxaluria type 2; D-GLYCERATE DEHYDROGENASE DEFICIENCY; GLYCERIC ACIDURIA; GLYOXYLATE REDUCTASE/HYDROXYPYRUVATE REDUCTASE DEFICIENCY. Identifiers: Orphanet 416, Orphanet 93599, MedGen C0268165, MONDO:0009824, OMIM 260000. Disease mechanism: loss of function.

Submission:

Myriad Genetics, Inc.
Classification: Uncertain significance for Primary hyperoxaluria, type II. Last evaluated: 2026-03-04. Review status: criteria provided, single submitter. Criteria: Myriad Autosomal Dominant, Autosomal Recessive and X-Linked Classification Criteria (2023). Collection method: clinical testing. Allele origin: unknown.
Comment: NM_012203.1(GRHPR):c.858_860delGAA(K286del) is an in-frame deletion classified as a variant of uncertain significance in the context of primary hyperoxaluria type 2. K286del has not been observed in cases with relevant disease. Relevant functional assessments of this variant are not available in the literature. K286del has not been observed in referenced population frequency databases. In summary, there is insufficient evidence to classify NM_012203.1(GRHPR):c.858_860delGAA(K286del) as pathogenic or benign. Please note: this variant was assessed in the context of healthy population screening.

NM_012203.2(GRHPR):c.855GAA[1] (p.Lys286del)

Gene: GRHPR (glyoxylate and hydroxypyruvate reductase; plus strand). Cytogenetic location: 9p13.2.
Variant type: Microsatellite.
Coding change: c.855GAA[1] on transcript NM_012203.2 (MANE Select); one copy of the 3-base unit GAA starting at c.855; the reference has two copies in a row; one copy, 3 bases deleted.
Protein change: p.Lys286del; deletes lysine 286.
Molecular consequence: inframe deletion.
Genome position (GRCh38, 1-based): chr9:37,432,131-37,432,133, GAA deleted; deleting any 3 consecutive bases within chr9:37,432,128-37,432,133 gives the same sequence; the position shown is the placement nearest the transcript's 3' end. VCF-style (leftmost placement, unchanged base first): chr9-37432127-TGAA-T. GRCh37 (hg19) VCF-style: chr9-37432124-TGAA-T.
Other names: short protein forms K286del.
Identifiers: ClinVar variation 5003995 (VCV005003995.1).
Genomic context (GRCh38, chr9:37,432,127, plus strand): 5'-CTGCTGGACTGGATGTGACGAGCCCAGAACCACTGCCTACAAACCACCCTCTCCTGACCC[TGAA>T]GAACTGTGGTAAGAACTGCACTTTCTGATGCAAACTCCCTGCTGCCCTGCAGGACCAGTG-3'